The following is an entry in ClinVar:

ClinVar aggregate classification (germline): Uncertain significance. Review status: criteria provided, multiple submitters, no conflicts (2 of 4 stars). 2 submissions from 2 submitters: Uncertain significance (2). Last evaluated 2026-07-20.

Conditions:
Cardiovascular phenotype. Identifiers: MedGen CN230736.
LIPA-related disorder. Also called: LIPA-related condition; LIPA-related disorders.

Allele frequency attached by ClinVar (database versions not stated): gnomAD exomes 0.00001.
gnomAD v4.1: 19 of 1,563,224 alleles (0.0012%); highest among the groups gnomAD compares: Non-Finnish European, 0.0017%; no homozygotes.

Submissions (2):

PreventionGenetics, part of Exact Sciences
Classification: Uncertain significance for LIPA-related condition. Last evaluated: 2026-07-20. Review status: criteria provided, single submitter. Criteria: ACMG Guidelines, 2015. Collection method: clinical testing. Allele origin: germline.
Comment: The LIPA c.128A>G variant is predicted to result in the amino acid substitution p.Tyr43Cys. To our knowledge, this variant has not been reported in the literature or in a large population database (gnomAD), indicating this variant is rare. At this time, the clinical significance of this variant is uncertain due to the absence of conclusive functional and genetic evidence.

Ambry Genetics
Classification: Uncertain significance for Cardiovascular phenotype. Last evaluated: 2025-04-13. Review status: criteria provided, single submitter. Criteria: Ambry Variant Classification Scheme 2023. Collection method: clinical testing. Allele origin: germline.

NM_000235.4(LIPA):c.128A>G (p.Tyr43Cys)

Gene: LIPA (lipase A, lysosomal acid type; minus strand). Cytogenetic location: 10q23.31.
Variant type: single nucleotide variant.
Coding change: c.128A>G on transcript NM_000235.4 (MANE Select); coding-DNA position 128, A replaced by G.
Protein change: p.Tyr43Cys; replaces tyrosine 43 with cysteine.
Molecular consequence: missense variant. On other transcripts: intron variant (1).
Genome position (GRCh38, 1-based): chr10:89,245,777, T>C on the plus strand (A>G on the coding strand, the complement: LIPA is on the minus strand). VCF-style: chr10-89245777-T-C. GRCh37 (hg19) VCF-style: chr10-91005534-T-C.
Other names: c.128A>G, p.Tyr43Cys (NM_001127605.3); c.-120+5960A>G (NM_001288979.2); c.128A>G (NM_000235.3); short protein forms Y43C.
Identifiers: ClinVar variation 2451677 (VCV002451677.4), dbSNP rs1843016517, ClinGen allele CA377518392.